The following is an entry in ClinVar:

NM_000268.4(NF2):c.862_863del (p.Ser288fs)

Gene: NF2 (NF2, moesin-ezrin-radixin like (MERLIN) tumor suppressor; plus strand). Cytogenetic location: 22q12.2.
Variant type: Deletion.
Coding change: c.862_863del on transcript NM_000268.4 (MANE Select); coding-DNA positions 862 to 863, 2 bases deleted (TC; older notation c.862_863delTC).
Protein change: p.Ser288fs; shifts the reading frame from serine 288.
Molecular consequence: frameshift variant. On other transcripts: non-coding transcript variant (1), intron variant (1).
Genome position (GRCh38, 1-based): chr22:29,665,041-29,665,042, TC deleted; deleting any 2 consecutive bases within chr22:29,665,040-29,665,042 gives the same sequence; the c. name uses the placement nearest the transcript's 3' end. VCF-style (leftmost placement, unchanged base first): chr22-29665039-CCT-C. GRCh37 (hg19) VCF-style: chr22-30061028-CCT-C.
Other names: c.748_749del, p.Ser250fs (NM_001407053.1, NM_001407056.1); c.739_740del, p.Ser247fs (NM_001407054.1, NM_001407058.1, NM_181829.3); c.736_737del, p.Ser246fs (NM_001407055.1, NM_181828.3); c.727_728del, p.Ser243fs (NM_001407057.1, NM_001407059.1); c.862_863del, p.Ser288fs (NM_001407060.1, NM_001407066.1, NM_016418.5 and 2 more transcripts); c.604_605del, p.Ser202fs (NM_001407062.1); c.613_614del, p.Ser205fs (NM_001407063.1, NM_001407064.1, NM_181830.3 and 1 more transcripts); c.328_329del, p.Ser110fs (NM_001407065.1); and 2 more; short protein forms S110fs, S202fs, S205fs, S211fs, S243fs, S246fs, S247fs, S250fs.
Identifiers: ClinVar variation 3338126 (VCV003338126.2).
Genomic context (GRCh38, chr22:29,665,039, plus strand): 5'-CATTCTTCCAGTTTACTATTAAACCACTGGATAAGAAAATTGATGTCTTCAAGTTTAACT[CCT>C]CAAAGCTTCGTGTTAATAAGCTGGTAAGTTGAGATCCTGGTTTTCATTACTGATAATGGT-3'

ClinVar aggregate classification (germline): Pathogenic (1 of 4 stars; one submission).

Conditions:
Neurofibromatosis, type 2 (SWNV). Also called: NF2-Related Schwannomatosis; BILATERAL ACOUSTIC NEUROFIBROMATOSIS; SCHWANNOMATOSIS, VESTIBULAR. Identifiers: Orphanet 637, MedGen C0027832, MONDO:0007039, OMIM 101000. Disease mechanism: loss of function.

Submission:

ENT and Head and Neck Research Center and Department,  The Five Senses Health Institute, Iran University of Medical Sciences
Classification: Pathogenic for Neurofibromatosis, type 2. Last evaluated: 2024-08-18. Review status: criteria provided, single submitter. Criteria: ACMG Guidelines, 2015. Collection method: clinical testing. Allele origin: de novo. Affected: yes.
Comment: PVS1: null variant in a NF2 gene where loss of function is a known PM2: Absent from controls in an ethnically-matched cohort population sample PM6: De novo (maternity confirmed) in a patient with the disease and no family history.

Literature cited by the submitters: PubMed 31273341.